The following is an entry in ClinVar:

NM_015047.3(EMC1):c.579del (p.Phe194fs)

Gene: EMC1 (ER membrane protein complex subunit 1; minus strand). Cytogenetic location: 1p36.13.
Variant type: Deletion.
Coding change: c.579del on transcript NM_015047.3 (MANE Select); coding-DNA position 579, one base deleted (C; older notation c.579delC).
Protein change: p.Phe194fs; shifts the reading frame from phenylalanine 194.
Molecular consequence: frameshift variant.
Genome position (GRCh38, 1-based): chr1:19,241,073, G deleted on the plus strand (C on the coding strand, the reverse complement: EMC1 is on the minus strand); the first of 3 consecutive G bases (chr1:19,241,073-19,241,075); deleting any one gives the same sequence. VCF-style (leftmost placement, unchanged base first): chr1-19241072-AG-A. GRCh37 (hg19) VCF-style: chr1-19567566-AG-A.
Other names: c.579del, p.Phe194fs (NM_001271427.2, NM_001271428.2, NM_001375820.1 and 1 more transcripts); c.513del, p.Phe172fs (NM_001271429.2); short protein forms F194fs, F172fs.
Identifiers: ClinVar variation 1897028 (VCV001897028.7), dbSNP rs1296589338, ClinGen allele CA521517044.
Genomic context (GRCh38, chr1:19,241,072, plus strand): 5'-GTACCTGCTGAACAATCTCTCCATCTTCCACATTAAACTTGACAATGTTCACATGGCTGA[AG>A]GGAACAACTCCGAGGGCCCACACCACCCCAGAGCCGTAAGAATACACCATCTGGTAGTGG-3'

ClinVar aggregate classification (germline): Pathogenic/Likely pathogenic. Review status: criteria provided, multiple submitters, no conflicts (2 of 4 stars). 2 submissions from 2 submitters: Pathogenic (1); Likely pathogenic (1). Last evaluated 2025-08-11.

Submissions (2):

Dasa
Classification: Likely pathogenic. Last evaluated: 2025-08-11. Review status: criteria provided, single submitter. Criteria: DASA Assertion Criteria. Collection method: clinical testing. Allele origin: germline.
Comment: NM_015047.3(EMC1):c.579del (p.Phe194Serfs*4) is a frameshift variant in EMC1 predicted to alter the reading frame and introduce a premature termination codon and is predicted to result in an absent or altered protein product. Loss of function is an established disease mechanism for EMC1-associated disorders. Also, this variant is rare in population databases. Based on the currently available evidence, this variant is classified as likely pathogenic.

Labcorp Genetics (formerly Invitae), Labcorp
Classification: Pathogenic. Last evaluated: 2024-09-23. Review status: criteria provided, single submitter. Criteria: Invitae Variant Classification Sherloc (09022015). Collection method: clinical testing. Allele origin: germline.
Comment: This sequence change creates a premature translational stop signal (p.Phe194Serfs*4) in the EMC1 gene. It is expected to result in an absent or disrupted protein product. Loss-of-function variants in EMC1 are known to be pathogenic (PMID: 26572623, 26942288, 29271071). This variant is present in population databases (no rsID available, gnomAD 0.003%). This variant has not been reported in the literature in individuals affected with EMC1-related conditions. ClinVar contains an entry for this variant (Variation ID: 1897028). For these reasons, this variant has been classified as Pathogenic.

Literature cited by the submitters: PubMed 26572623 (cited by Labcorp Genetics (formerly Invitae), Labcorp); PubMed 26942288 (cited by Labcorp Genetics (formerly Invitae), Labcorp); PubMed 29271071 (cited by Labcorp Genetics (formerly Invitae), Labcorp).